The following is an entry in ClinVar:

ClinVar aggregate classification (germline): Likely benign. Review status: criteria provided, multiple submitters, no conflicts (2 of 4 stars). 3 submissions from 3 submitters: Likely benign (3). Last evaluated 2024-10-30.

Conditions:
LRP2-related disorder. Also called: LRP2-related condition.

Allele frequency attached by ClinVar (database versions not stated): gnomAD 0.00001; TOPMed 0.00001; ExAC 0.00002; gnomAD exomes 0.00002.
gnomAD v4.1: 25 of 1,614,056 alleles (0.0015%); highest among the groups gnomAD compares: Non-Finnish European, 0.002%; no homozygotes.

Submissions (3):

PreventionGenetics, part of Exact Sciences
Classification: Likely benign for LRP2-related condition. Last evaluated: 2024-10-30. Review status: criteria provided, single submitter. Criteria: ACMG Guidelines, 2015. Collection method: clinical testing. Allele origin: germline.
Comment: This variant is classified as likely benign based on ACMG/AMP sequence variant interpretation guidelines (Richards et al. 2015 PMID: 25741868, with internal and published modifications).

Labcorp Genetics (formerly Invitae), Labcorp
Classification: Likely benign. Last evaluated: 2024-08-21. Review status: criteria provided, single submitter. Criteria: Invitae Variant Classification Sherloc (09022015). Collection method: clinical testing. Allele origin: germline.

Blueprint Genetics
Classification: Likely benign. Last evaluated: 2022-05-04. Review status: criteria provided, single submitter. Criteria: ACMG Guidelines, 2015. Collection method: clinical testing. Allele origin: germline.

NM_004525.3(LRP2):c.10212T>C (p.Asp3404=)

Gene: LRP2 (LDL receptor related protein 2; minus strand). Cytogenetic location: 2q31.1.
Variant type: single nucleotide variant.
Coding change: c.10212T>C on transcript NM_004525.3 (MANE Select); coding-DNA position 10212, T replaced by C.
Protein change: p.Asp3404=; no amino-acid change (aspartic acid 3404 retained).
Molecular consequence: synonymous variant.
Genome position (GRCh38, 1-based): chr2:169,177,984, A>G on the plus strand (T>C on the coding strand, the complement: LRP2 is on the minus strand). VCF-style: chr2-169177984-A-G. GRCh37 (hg19) VCF-style: chr2-170034494-A-G.
Other names: c.10212T>C (NM_004525.2).
Identifiers: ClinVar variation 2960576 (VCV002960576.5), dbSNP rs766191868, ClinGen allele CA1953397.